The following is an entry in ClinVar:

NM_005413.4(SIX3):c.665G>A (p.Arg222Gln)

Gene: SIX3 (SIX homeobox 3; plus strand). Cytogenetic location: 2p21.
Variant type: single nucleotide variant.
Coding change: c.665G>A on transcript NM_005413.4 (MANE Select); coding-DNA position 665, G replaced by A.
Protein change: p.Arg222Gln; replaces arginine 222 with glutamine.
Molecular consequence: missense variant.
Genome position (GRCh38, 1-based): chr2:44,942,769, G>A. VCF-style: chr2-44942769-G-A. GRCh37 (hg19) VCF-style: chr2-45169908-G-A.
Other names: short protein forms R222Q.
Identifiers: ClinVar variation 1317036 (VCV001317036.2), dbSNP rs2103642415, ClinGen allele CA346800090.
Genomic context (GRCh38, chr2:44,942,769, plus strand): 5'-CCATCTGGGACGGCGAGCAGAAGACGCATTGCTTCAAGGAGCGGACTCGGAGCCTGTTGC[G>A]GGAGTGGTACCTACAGGACCCCTACCCCAACCCCAGCAAGAAACGCGAACTGGCGCAGGC-3'
Protein context (NP_005404.1, residues 212-232): CFKERTRSLL[Arg222Gln]EWYLQDPYPN

ClinVar aggregate classification (germline): Uncertain significance (1 of 4 stars; one submission).

gnomAD v4.1: 1 of 1,600,402 alleles (0.000062%); highest among the groups gnomAD compares: Non-Finnish European, 0.000085%; no homozygotes.

Submission:

GeneDx
Classification: Uncertain significance. Last evaluated: 2019-06-27. Review status: criteria provided, single submitter. Criteria: GeneDx Variant Classification Process June 2021. Collection method: clinical testing. Allele origin: germline. Affected: yes.
Comment: Not observed in large population cohorts (Lek et al., 2016); In silico analysis, which includes protein predictors and evolutionary conservation, supports a deleterious effect; Has not been previously published as pathogenic or benign to our knowledge